The following is an entry in ClinVar:

ClinVar aggregate classification (germline): Uncertain significance (1 of 4 stars; one submission).

Conditions:
Inborn genetic diseases. Identifiers: MedGen C0950123, MeSH D030342.

gnomAD v4.1: 7 of 1,613,322 alleles (0.00043%); highest among the groups gnomAD compares: Non-Finnish European, 0.00059%; no homozygotes.

Submission:

Ambry Genetics
Classification: Uncertain significance for Inborn genetic diseases. Last evaluated: 2024-10-11. Review status: criteria provided, single submitter. Criteria: Ambry Variant Classification Scheme 2023. Collection method: clinical testing. Allele origin: germline.
Comment: The p.G105A variant (also known as c.314G>C), located in coding exon 3 of the RAD51 gene, results from a G to C substitution at nucleotide position 314. The glycine at codon 105 is replaced by alanine, an amino acid with similar properties. This amino acid position is conserved. In addition, this alteration is predicted to be deleterious by in silico analysis. Based on the available evidence, the clinical significance of this variant remains unclear.

NM_002875.5(RAD51):c.314G>C (p.Gly105Ala)

Gene: RAD51 (RAD51 recombinase; plus strand). Cytogenetic location: 15q15.1.
Variant type: single nucleotide variant.
Coding change: c.314G>C on transcript NM_002875.5 (MANE Select); coding-DNA position 314, G replaced by C.
Protein change: p.Gly105Ala; replaces glycine 105 with alanine.
Molecular consequence: missense variant. On other transcripts: intron variant (2).
Genome position (GRCh38, 1-based): chr15:40,706,265, G>C. VCF-style: chr15-40706265-G-C. GRCh37 (hg19) VCF-style: chr15-40998463-G-C.
Other names: c.314G>C, p.Gly105Ala (NM_001164270.2); c.347-2760G>C (NM_133487.4, NM_001164269.2); short protein forms G105A.
Identifiers: ClinVar variation 3429538 (VCV003429538.1).